The following is an entry in ClinVar:

NM_000548.5(TSC2):c.3837C>G (p.Tyr1279Ter)

Gene: TSC2 (TSC complex subunit 2; plus strand). Cytogenetic location: 16p13.3.
Variant type: single nucleotide variant.
Coding change: c.3837C>G on transcript NM_000548.5 (MANE Select); coding-DNA position 3837, C replaced by G.
Protein change: p.Tyr1279Ter; replaces tyrosine 1279 with a stop codon.
Molecular consequence: nonsense. On other transcripts: intron variant (6).
Genome position (GRCh38, 1-based): chr16:2,082,458, C>G. VCF-style: chr16-2082458-C-G. GRCh37 (hg19) VCF-style: chr16-2132459-C-G.
Other names: c.3105C>G, p.Tyr1035Ter (NM_001318831.2); c.3705C>G, p.Tyr1235Ter (NM_001370404.1); c.3708C>G, p.Tyr1236Ter (NM_001370405.1, NM_021055.3); c.3814+660C>G (NM_001114382.3); c.3685+660C>G (NM_001363528.2); c.3682+660C>G (NM_001077183.3); c.3574+660C>G (NM_001318827.2); c.3538+660C>G (NM_001318829.2); and 1 more; short protein forms Y1279*, Y1035*, Y1236*, Y1235*.
Identifiers: ClinVar variation 535896 (VCV000535896.12), dbSNP rs1555512861, ClinGen allele CA394294893.
Genomic context (GRCh38, chr16:2,082,458, plus strand): 5'-CTCCTGCTGACGTGGCCGCACACGGCCTTCCCTTGCAGTGGCCTCTTTCTCCTCCCTGTA[C>G]CAGTCCAGCTGCCAAGGACAGCTGCACAGGAGCGTTTCCTGGGCAGGTATCGCCTCTCAG-3'

ClinVar aggregate classification (germline): Uncertain significance. Review status: criteria provided, multiple submitters, no conflicts (2 of 4 stars). 3 submissions from 3 submitters: Uncertain significance (3). Last evaluated 2025-04-22.

Conditions:
Tuberous sclerosis syndrome (TSC). Also called: Tuberous Sclerosis Complex; Tuberous sclerosis. Identifiers: Orphanet 805, MedGen C0041341, MONDO:0001734.
Tuberous sclerosis 2 (TSC2). Identifiers: Orphanet 805, MedGen C1860707, MONDO:0013199, OMIM 613254.
Hereditary cancer-predisposing syndrome. Also called: Neoplastic Syndromes, Hereditary; Tumor predisposition; Hereditary Cancer Syndrome; Hereditary neoplastic syndrome. Identifiers: Orphanet 140162, MedGen C0027672, MeSH D009386, MONDO:0015356.

Submissions (3):

Ambry Genetics
Classification: Uncertain significance for Hereditary cancer-predisposing syndrome. Last evaluated: 2025-04-22. Review status: criteria provided, single submitter. Criteria: Ambry Variant Classification Scheme 2023. Collection method: clinical testing. Allele origin: germline.
Comment: The p.Y1279* variant (also known as c.3837C>G), located in coding exon 31 of the TSC2 gene, results from a C to G substitution at nucleotide position 3837. This changes the amino acid from a tyrosine to a stop codon within coding exon 31. This alteration is expected to result in premature protein truncation or nonsense-mediated mRNA decay; however, this variant occurs in an exon that is excluded in biologically relevant transcripts (Ekong R et al. Hum. Mutat. 2016 Apr;37:364-70). Based on the available evidence, the clinical significance of this variant remains unclear.

Labcorp Genetics (formerly Invitae), Labcorp
Classification: Uncertain significance for Tuberous sclerosis 2. Last evaluated: 2024-11-18. Review status: criteria provided, single submitter. Criteria: Invitae Variant Classification Sherloc (09022015). Collection method: clinical testing. Allele origin: germline.
Comment: This sequence change creates a premature translational stop signal (p.Tyr1279*) in the TSC2 gene. Loss-of-function variants in TSC2 are known to be pathogenic (PMID: 10205261, 17304050). However, tissue-specific alternative splicing of TSC2 gene results in a functional isoform lacking in-frame exon 32 (also known as exon 31, PMID: 26703369). For this reason the clinical significance of loss of function variants in exon 32 is currently uncertain. This variant is not present in population databases (gnomAD no frequency). This variant has not been reported in the literature in individuals affected with TSC2-related conditions. ClinVar contains an entry for this variant (Variation ID: 535896). RNA analysis performed to evaluate the impact of this premature translational stop signal on mRNA splicing indicates it does not significantly alter splicing (internal data). In summary, the available evidence is currently insufficient to determine the role of this variant in disease. Therefore, it has been classified as a Variant of Uncertain Significance.

All of Us Research Program, National Institutes of Health
Classification: Uncertain significance for Tuberous sclerosis syndrome. Last evaluated: 2024-09-11. Review status: criteria provided, single submitter. Criteria: ACMG Guidelines, 2015. Collection method: clinical testing. Allele origin: germline. Inheritance: Autosomal dominant inheritance. Observed: 1 variant allele, 1 heterozygote.
Comment: This study involves interpretation of variants in research participants for the purpose of population health screening. Participant phenotype was not available at the time of variant classification. Additional details can be found in publication PMID: 35346344, PMCID: PMC8962531

Literature cited by the submitters: PubMed 10205261 (cited by Labcorp Genetics (formerly Invitae), Labcorp); PubMed 17304050 (cited by Labcorp Genetics (formerly Invitae), Labcorp).